The following is an entry in ClinVar:

NM_000052.7(ATP7A):c.1941A>G (p.Ile647Met)

Gene: ATP7A (ATPase copper transporting alpha; plus strand). Cytogenetic location: Xq21.1.
Variant type: single nucleotide variant.
Coding change: c.1941A>G on transcript NM_000052.7 (MANE Select); coding-DNA position 1941, A replaced by G.
Protein change: p.Ile647Met; replaces isoleucine 647 with methionine.
Molecular consequence: missense variant.
Genome position (GRCh38, 1-based): chrX:78,011,247, A>G. VCF-style: chrX-78011247-A-G. GRCh37 (hg19) VCF-style: chrX-77266744-A-G.
Other names: c.1941A>G (NM_000052.6); c.1941A>G, p.Ile647Met (NM_001282224.2); short protein forms I647M.
Identifiers: ClinVar variation 1165486 (VCV001165486.10), dbSNP rs781844108, ClinGen allele CA10459165.

ClinVar aggregate classification (germline): Benign/Likely benign. Review status: criteria provided, multiple submitters, no conflicts (2 of 4 stars). 2 submissions from 2 submitters: Benign (1); Likely benign (1). Last evaluated 2026-01-13.

Conditions:
Cutis laxa, X-linked (OHS). Also called: EDS IX; Occipital horn syndrome. Identifiers: Orphanet 198, MedGen C0268353, MONDO:0010572, OMIM 304150.
X-linked distal spinal muscular atrophy type 3. Also called: ATP7A-Related Distal Motor Neuropathy; NEURONOPATHY, DISTAL HEREDITARY MOTOR, X-LINKED; NEUROPATHY, DISTAL HEREDITARY MOTOR, X-LINKED; SPINAL MUSCULAR ATROPHY, DISTAL, X-LINKED RECESSIVE. Identifiers: Orphanet 139557, MedGen C1845359, MONDO:0010338, OMIM 300489.
Menkes kinky-hair syndrome (MNK). Also called: Menkes Disease; Classic Menkes Disease; Copper transport disease. Identifiers: Orphanet 565, MedGen C0022716, MONDO:0010651, OMIM 309400.
ATP7A-related disorder. Also called: ATP7A-related condition.

Allele frequency attached by ClinVar (database versions not stated): TOPMed 0.00001; gnomAD 0.00002; gnomAD exomes 0.00003 and 0.00007; ExAC 0.00005.
gnomAD v4.1: 38 of 1,205,949 alleles (0.0032%); highest among the groups gnomAD compares: South Asian, 0.062%; no homozygotes.

Submissions (2):

Labcorp Genetics (formerly Invitae), Labcorp
Classification: Benign for X-linked distal spinal muscular atrophy type 3; Cutis laxa, X-linked; Menkes kinky-hair syndrome. Last evaluated: 2026-01-13. Review status: criteria provided, single submitter. Criteria: Invitae Variant Classification Sherloc (09022015). Collection method: clinical testing. Allele origin: germline.

PreventionGenetics, part of Exact Sciences
Classification: Likely benign for ATP7A-related condition. Last evaluated: 2024-12-31. Review status: criteria provided, single submitter. Criteria: ACMG Guidelines, 2015. Collection method: clinical testing. Allele origin: germline.
Comment: This variant is classified as likely benign based on ACMG/AMP sequence variant interpretation guidelines (Richards et al. 2015 PMID: 25741868, with internal and published modifications).